The following is an entry in ClinVar:

NM_001042492.3(NF1):c.644G>C (p.Ser215Thr)

Gene: NF1 (neurofibromin 1; plus strand). Cytogenetic location: 17q11.2.
Variant type: single nucleotide variant.
Coding change: c.644G>C on transcript NM_001042492.3 (MANE Select); coding-DNA position 644, G replaced by C.
Protein change: p.Ser215Thr; replaces serine 215 with threonine.
Molecular consequence: missense variant.
Genome position (GRCh38, 1-based): chr17:31,181,479, G>C. VCF-style: chr17-31181479-G-C. GRCh37 (hg19) VCF-style: chr17-29508497-G-C.
Other names: c.644G>C, p.Ser215Thr (NM_000267.4, NM_001128147.3); short protein forms S215T.
Identifiers: ClinVar variation 2452298 (VCV002452298.2), dbSNP rs2143774620, ClinGen allele CA398989457.

ClinVar aggregate classification (germline): Uncertain significance (1 of 4 stars; one submission).

Conditions:
Hereditary cancer-predisposing syndrome. Also called: Neoplastic Syndromes, Hereditary; Tumor predisposition; Hereditary neoplastic syndrome; Hereditary Cancer Syndrome. Identifiers: Orphanet 140162, MedGen C0027672, MeSH D009386, MONDO:0015356.
Cardiovascular phenotype. Identifiers: MedGen CN230736.

Submission:

Ambry Genetics
Classification: Uncertain significance for Cardiovascular phenotype; Hereditary cancer-predisposing syndrome. Last evaluated: 2023-01-28. Review status: criteria provided, single submitter. Criteria: Ambry Variant Classification Scheme 2023. Collection method: clinical testing. Allele origin: germline.
Comment: The p.S215T variant (also known as c.644G>C), located in coding exon 6 of the NF1 gene, results from a G to C substitution at nucleotide position 644. The serine at codon 215 is replaced by threonine, an amino acid with similar properties. This amino acid position is conserved. In addition, the in silico prediction for this alteration is inconclusive. Since supporting evidence is limited at this time, the clinical significance of this alteration remains unclear.